The following is an entry in ClinVar:

NM_001387430.1(SH2B1):c.336G>A (p.Arg112=)

Gene: SH2B1 (SH2B adaptor protein 1; plus strand). Cytogenetic location: 16p11.2.
Variant type: single nucleotide variant.
Coding change: c.336G>A on transcript NM_001387430.1 (MANE Select); coding-DNA position 336, G replaced by A.
Protein change: p.Arg112=; no amino-acid change (arginine 112 retained).
Molecular consequence: synonymous variant. On other transcripts: intron variant (1).
Genome position (GRCh38, 1-based): chr16:28,866,430, G>A. VCF-style: chr16-28866430-G-A. GRCh37 (hg19) VCF-style: chr16-28877751-G-A.
Other names: c.336G>A, p.Arg112= (NM_001145795.2, NM_001145796.2, NM_001145797.2 and 4 more transcripts); c.-26-944G>A (NM_001308294.2).
Identifiers: ClinVar variation 3354134 (VCV003354134.1).

ClinVar aggregate classification (germline): Likely benign (0 of 4 stars; one submission).

Conditions:
SH2B1-related disorder. Also called: SH2B1-related condition.

gnomAD v4.1: 16 of 1,614,000 alleles (0.00099%); highest among the groups gnomAD compares: Middle Eastern, 0.016%; no homozygotes.

Submission:

PreventionGenetics, part of Exact Sciences
Classification: Likely benign for SH2B1-related condition. Last evaluated: 2022-05-27. Review status: no assertion criteria provided. Collection method: clinical testing. Allele origin: germline.
Comment: This variant is classified as likely benign based on ACMG/AMP sequence variant interpretation guidelines (Richards et al. 2015 PMID: 25741868, with internal and published modifications).